The following is an entry in ClinVar:

NM_017841.4(SDHAF2):c.37-18G>A

Gene: SDHAF2 (succinate dehydrogenase complex assembly factor 2; plus strand). Cytogenetic location: 11q12.2.
Variant type: single nucleotide variant.
Coding change: c.37-18G>A on transcript NM_017841.4 (MANE Select); 18 bases into the intron before coding-DNA position 37, G replaced by A.
Molecular consequence: intron variant.
Genome position (GRCh38, 1-based): chr11:61,437,607, G>A. VCF-style: chr11-61437607-G-A. GRCh37 (hg19) VCF-style: chr11-61205079-G-A.
Identifiers: ClinVar variation 1571300 (VCV001571300.9), dbSNP rs374796679, ClinGen allele CA222877236.

ClinVar aggregate classification (germline): Likely benign. Review status: criteria provided, multiple submitters, no conflicts (2 of 4 stars). 2 submissions from 2 submitters: Likely benign (2). Last evaluated 2026-08-04.

Conditions:
Hereditary pheochromocytoma and paraganglioma. Also called: Hereditary paragangliomas and pheochromocytomas; Hereditary Paraganglioma-Pheochromocytoma Syndromes; Hereditary pheochromocytoma-paraganglioma. Identifiers: Orphanet 29072, MedGen C4274332, MONDO:0017366.
Pheochromocytoma/paraganglioma syndrome 2. Also called: SDHAF2-Related Hereditary Paraganglioma-Pheochromocytoma Syndrome; GLOMUS TUMORS, FAMILIAL, 2; Paragangliomas 2; SDHAF2-Related Hereditary Paraganglioma-Pheochromocytoma Syndrome (Paragangliomas 2). Identifiers: Orphanet 29072, MedGen C1866552, MONDO:0011121, OMIM 601650.

Allele frequency attached by ClinVar (database versions not stated): gnomAD 0.00005 and 0.00006; gnomAD exomes 0.00001 and below 0.00001; TOPMed 0.00004; ESP Exome Variant Server 0.00008.
gnomAD v4.1: 11 of 1,585,810 alleles (0.00069%); highest among the groups gnomAD compares: African/African-American, 0.0094%; no homozygotes.

Submissions (2):

Myriad Genetics, Inc.
Classification: Likely benign for Pheochromocytoma/paraganglioma syndrome 2. Last evaluated: 2026-08-04. Review status: criteria provided, single submitter. Criteria: Myriad Autosomal Dominant, Autosomal Recessive and X-Linked Classification Criteria (2023). Collection method: clinical testing. Allele origin: unknown.
Comment: This variant is considered likely benign. This variant is intronic and is not expected to impact mRNA splicing.

Labcorp Genetics (formerly Invitae), Labcorp
Classification: Likely benign for Hereditary pheochromocytoma and paraganglioma. Last evaluated: 2026-01-11. Review status: criteria provided, single submitter. Criteria: Invitae Variant Classification Sherloc (09022015). Collection method: clinical testing. Allele origin: germline.